The following is an entry in ClinVar:

ClinVar aggregate classification (germline): Uncertain significance (1 of 4 stars; one submission).

Conditions:
Birt-Hogg-Dube syndrome. Also called: Birt Hogg Dubé syndrome. Identifiers: Orphanet 122, MedGen C0346010, MONDO:0800444.

Submission:

Labcorp Genetics (formerly Invitae), Labcorp
Classification: Uncertain significance for Birt-Hogg-Dube syndrome. Last evaluated: 2021-08-16. Review status: criteria provided, single submitter. Criteria: Invitae Variant Classification Sherloc (09022015). Collection method: clinical testing. Allele origin: germline.
Comment: This sequence change replaces glycine with aspartic acid at codon 149 of the FLCN protein (p.Gly149Asp). The glycine residue is highly conserved and there is a moderate physicochemical difference between glycine and aspartic acid. This variant is not present in population databases (ExAC no frequency). This variant has not been reported in the literature in individuals affected with FLCN-related conditions. Algorithms developed to predict the effect of missense changes on protein structure and function (SIFT, PolyPhen-2, Align-GVGD) all suggest that this variant is likely to be disruptive. In summary, the available evidence is currently insufficient to determine the role of this variant in disease. Therefore, it has been classified as a Variant of Uncertain Significance.

NM_144997.7(FLCN):c.446G>A (p.Gly149Asp)

Gene: FLCN (folliculin; minus strand). Cytogenetic location: 17p11.2.
Variant type: single nucleotide variant.
Coding change: c.446G>A on transcript NM_144997.7 (MANE Select); coding-DNA position 446, G replaced by A.
Protein change: p.Gly149Asp; replaces glycine 149 with aspartic acid.
Molecular consequence: missense variant.
Genome position (GRCh38, 1-based): chr17:17,224,094, C>T on the plus strand (G>A on the coding strand, the complement: FLCN is on the minus strand). VCF-style: chr17-17224094-C-T. GRCh37 (hg19) VCF-style: chr17-17127408-C-T.
Other names: c.500G>A, p.Gly167Asp (NM_001353229.2); c.446G>A, p.Gly149Asp (NM_001353230.2, NM_001353231.2, NM_144606.7); short protein forms G149D, G167D.
Identifiers: ClinVar variation 1498805 (VCV001498805.6), dbSNP rs2144981003, ClinGen allele CA398534544.